The following is an entry in ClinVar:

ClinVar aggregate classification (germline): Likely pathogenic. Review status: criteria provided, multiple submitters, no conflicts (2 of 4 stars). 2 submissions from 2 submitters: Likely pathogenic (2). Last evaluated 2025-11-07.

Conditions:
Microcephaly, normal intelligence and immunodeficiency (NBS). Also called: Immunodeficiency, microcephaly with normal intelligence; Ataxia telangiectasia variant V1; IMMUNODEFICIENCY, MICROCEPHALY, AND CHROMOSOMAL INSTABILITY; BERLIN BREAKAGE SYNDROME; SEEMANOVA SYNDROME II; Nijmegen breakage syndrome. Identifiers: Orphanet 647, MedGen C0398791, MONDO:0009623, OMIM 251260.

Submissions (3):

Women's Health and Genetics/Laboratory Corporation of America, LabCorp
Classification: Likely pathogenic for Microcephaly, normal intelligence and immunodeficiency. Last evaluated: 2025-11-07. Review status: criteria provided, single submitter. Criteria: LabCorp Variant Classification Summary - May 2015. Collection method: clinical testing. Allele origin: germline.
Comment: Variant summary: NBN c.1124+2T>G is located in a canonical splice-site and is predicted to affect mRNA splicing resulting in a significantly altered protein due to either exon skipping, shortening, or inclusion of intronic material. Variants that disrupt the consensus splice site are a relatively common cause of aberrant splicing and loss of NBN function. Several computational tools predict a significant impact on normal splicing: Four predict the variant abolishes the canonical 5' splicing donor site. However, these predictions have yet to be confirmed by functional studies. The variant was absent in 251352 control chromosomes. To our knowledge, no occurrence of c.1124+2T>G in individuals affected with NBN-related conditions and no experimental evidence demonstrating its impact on protein function have been reported. ClinVar contains an entry for this variant (Variation ID: 530725). Based on the evidence outlined above, the variant was classified as likely pathogenic.

Labcorp Genetics (formerly Invitae), Labcorp
Classification: Likely pathogenic for Microcephaly, normal intelligence and immunodeficiency. Last evaluated: 2021-12-08. Review status: criteria provided, single submitter. Criteria: Invitae Variant Classification Sherloc (09022015). Collection method: clinical testing. Allele origin: germline.
Comment: In summary, the currently available evidence indicates that the variant is pathogenic, but additional data are needed to prove that conclusively. Therefore, this variant has been classified as Likely Pathogenic. Algorithms developed to predict the effect of sequence changes on RNA splicing suggest that this variant may disrupt the consensus splice site. ClinVar contains an entry for this variant (Variation ID: 530725). This variant has not been reported in the literature in individuals affected with NBN-related conditions. This variant is not present in population databases (gnomAD no frequency). This sequence change affects a donor splice site in intron 9 of the NBN gene. It is expected to disrupt RNA splicing. Variants that disrupt the donor or acceptor splice site typically lead to a loss of protein function (PMID: 16199547), and loss-of-function variants in NBN are known to be pathogenic (PMID: 9590180, 16415040).

Dr. Peter K. Rogan Lab, Western University
No classification provided (evidence only). Condition: Thyroid cancer, nonmedullary, 1. Review status: no classification provided. Collection method: in vitro. Allele origin: not applicable. Functional consequence: retained intron. Not counted in ClinVar's aggregate classification.

Literature cited by the submitters: PubMed 16199547 (cited by Labcorp Genetics (formerly Invitae), Labcorp); PubMed 9590180 (cited by Labcorp Genetics (formerly Invitae), Labcorp); PubMed 16415040 (cited by Labcorp Genetics (formerly Invitae), Labcorp).

NM_002485.5(NBN):c.1124+2T>G

Gene: NBN (nibrin; minus strand). Cytogenetic location: 8q21.3.
Variant type: single nucleotide variant.
Coding change: c.1124+2T>G on transcript NM_002485.5 (MANE Select); the canonical splice donor site of the intron after coding-DNA position 1124, T replaced by G.
Molecular consequence: splice donor variant.
Genome position (GRCh38, 1-based): chr8:89,958,723, A>C on the plus strand (T>G on the coding strand, the complement: NBN is on the minus strand). VCF-style: chr8-89958723-A-C. GRCh37 (hg19) VCF-style: chr8-90970951-A-C.
Other names: c.878+2T>G (NM_001024688.3).
Identifiers: ClinVar variation 530725 (VCV000530725.9), dbSNP rs1554560352, ClinGen allele CA371656551.